The following is an entry in ClinVar:

NM_004415.4(DSP):c.7795G>A (p.Val2599Ile)

Gene: DSP (desmoplakin; plus strand). Cytogenetic location: 6p24.3.
Variant type: single nucleotide variant.
Coding change: c.7795G>A on transcript NM_004415.4 (MANE Select); coding-DNA position 7795, G replaced by A.
Protein change: p.Val2599Ile; replaces valine 2599 with isoleucine.
Molecular consequence: missense variant.
Genome position (GRCh38, 1-based): chr6:7,585,057, G>A. VCF-style: chr6-7585057-G-A. GRCh37 (hg19) VCF-style: chr6-7585290-G-A.
Other names: c.5998G>A, p.Val2000Ile (NM_001008844.3); c.6466G>A, p.Val2156Ile (NM_001319034.2); short protein forms V2599I, V2000I, V2156I.
Identifiers: ClinVar variation 1760651 (VCV001760651.5), dbSNP rs1759594471, ClinGen allele CA362693793.

ClinVar aggregate classification (germline): Conflicting classifications of pathogenicity. Review status: criteria provided, conflicting classifications (1 of 4 stars). 3 submissions from 3 submitters: Uncertain significance (2); Likely benign (1). Last evaluated 2026-02-09.

Conditions:
Cardiovascular phenotype. Identifiers: MedGen CN230736.
Arrhythmogenic cardiomyopathy with wooly hair and keratoderma. Also called: Dilated cardiomyopathy with woolly hair and keratoderma; PALMOPLANTAR KERATODERMA WITH LEFT VENTRICULAR CARDIOMYOPATHY AND WOOLLY HAIR; Carvajal syndrome; Arrhythmogenic cardiomyopathy with woolly hair and keratoderma. Identifiers: Orphanet 65282, MedGen C1854063, MONDO:0011581, OMIM 605676.

Allele frequency attached by ClinVar (database versions not stated): gnomAD exomes below 0.00001.
gnomAD v4.1: 1 of 1,614,162 alleles (0.000062%); highest among the groups gnomAD compares: Non-Finnish European, 0.000085%; no homozygotes.

Submissions (3):

Women's Health and Genetics/Laboratory Corporation of America, LabCorp
Classification: Uncertain significance. Last evaluated: 2026-02-09. Review status: criteria provided, single submitter. Criteria: LabCorp Variant Classification Summary - May 2015. Collection method: clinical testing. Allele origin: germline.
Comment: Variant summary: DSP c.7795G>A (p.Val2599Ile) results in a conservative amino acid change in the encoded protein sequence. Algorithms developed to predict the effect of missense changes on protein structure and function all suggest that this variant is likely to be tolerated. The variant was absent in 251444 control chromosomes. The available data on variant occurrences in the general population are insufficient to allow any conclusion about variant significance. To our knowledge, no occurrence of c.7795G>A in individuals affected with DSP-related conditions and no experimental evidence demonstrating its impact on protein function have been reported. ClinVar contains an entry for this variant (Variation ID: 1760651). Based on the evidence outlined above, the variant was classified as uncertain significance.

All of Us Research Program, National Institutes of Health
Classification: Uncertain significance for Arrhythmogenic cardiomyopathy with wooly hair and keratoderma. Last evaluated: 2024-07-29. Review status: criteria provided, single submitter. Criteria: ACMG Guidelines, 2015. Collection method: clinical testing. Allele origin: germline. Inheritance: Autosomal dominant inheritance. Observed: 2 variant alleles, 2 heterozygotes.
Comment: This missense variant replaces valine with isoleucine at codon 2599 of the DSP protein. Computational prediction suggests that this variant may not impact protein structure and function (internally defined REVEL score threshold <= 0.5, PMID: 27666373). To our knowledge, functional studies have not been reported for this variant. This variant has not been reported in individuals affected with DSP-related disorders in the literature. This variant has not been identified in the general population by the Genome Aggregation Database (gnomAD). The available evidence is insufficient to determine the role of this variant in disease conclusively. Therefore, this variant is classified as a Variant of Uncertain Significance.

This study involves interpretation of variants in research participants for the purpose of population health screening. Participant phenotype was not available at the time of variant classification. Additional details can be found in publication PMID: 35346344, PMCID: PMC8962531

Ambry Genetics
Classification: Likely benign for Cardiovascular phenotype. Last evaluated: 2019-12-30. Review status: criteria provided, single submitter. Criteria: Ambry Variant Classification Scheme 2023. Collection method: clinical testing. Allele origin: germline.